The following is an entry in ClinVar:

ClinVar aggregate classification (germline): Uncertain significance. Review status: criteria provided, single submitter (1 of 4 stars). 2 submissions from 2 submitters: Uncertain significance (1). 1 of the submissions does not count toward it. Last evaluated 2025-08-07.

Conditions:
Usher syndrome type 1 (USH1). Also called: RETINITIS PIGMENTOSA AND CONGENITAL DEAFNESS. Identifiers: Orphanet 231169, Orphanet 886, MedGen C1568247, MONDO:0010168, OMIM 276900.

Allele frequency attached by ClinVar (database versions not stated): gnomAD 0.00001 and 0.00002; gnomAD exomes 0.00001; TOPMed 0.00001; ExAC 0.00004; 1000 Genomes Project 0.00020; 1000 Genomes Project 30x 0.00031.
gnomAD v4.1: 12 of 1,603,176 alleles (0.00075%); highest among the groups gnomAD compares: East Asian, 0.0045%; no homozygotes.

Submissions (2):

Labcorp Genetics (formerly Invitae), Labcorp
Classification: Uncertain significance. Last evaluated: 2025-08-07. Review status: criteria provided, single submitter. Criteria: Invitae Variant Classification Sherloc (09022015). Collection method: clinical testing. Allele origin: germline.
Comment: This sequence change replaces glutamic acid, which is acidic and polar, with lysine, which is basic and polar, at codon 991 of the CDH23 protein (p.Glu991Lys). The frequency data for this variant in the population databases is considered unreliable, as metrics indicate poor data quality at this position in the gnomAD database. This variant has not been reported in the literature in individuals affected with CDH23-related conditions. ClinVar contains an entry for this variant (Variation ID: 860391). Invitae Evidence Modeling of protein sequence and biophysical properties (such as structural, functional, and spatial information, amino acid conservation, physicochemical variation, residue mobility, and thermodynamic stability) has been performed for this missense variant. However, the output from this modeling did not meet the statistical confidence thresholds required to predict the impact of this variant on CDH23 protein function. In summary, the available evidence is currently insufficient to determine the role of this variant in disease. Therefore, it has been classified as a Variant of Uncertain Significance.

Natera, Inc.
Classification: Uncertain significance for Usher syndrome type 1. Last evaluated: 2020-04-15. Review status: no assertion criteria provided. Collection method: clinical testing. Allele origin: germline. Not counted in ClinVar's aggregate classification.

NM_022124.6(CDH23):c.2971G>A (p.Glu991Lys)

Gene: CDH23 (cadherin related 23; plus strand). Cytogenetic location: 10q22.1.
Variant type: single nucleotide variant.
Coding change: c.2971G>A on transcript NM_022124.6 (MANE Select); coding-DNA position 2971, G replaced by A.
Protein change: p.Glu991Lys; replaces glutamic acid 991 with lysine.
Molecular consequence: missense variant.
Genome position (GRCh38, 1-based): chr10:71,706,914, G>A. VCF-style: chr10-71706914-G-A. GRCh37 (hg19) VCF-style: chr10-73466671-G-A.
Other names: c.2971G>A, p.Glu991Lys (NM_001171930.2, NM_001171931.2); short protein forms E991K.
Identifiers: ClinVar variation 860391 (VCV000860391.8), dbSNP rs551073659, ClinGen allele CA5544410.